The following is an entry in ClinVar:

ClinVar aggregate classification (germline): Uncertain significance. Review status: criteria provided, multiple submitters, no conflicts (2 of 4 stars). 2 submissions from 2 submitters: Uncertain significance (2). Last evaluated 2024-05-28.

Conditions:
Epilepsy, childhood absence, susceptibility to, 6. Identifiers: Orphanet 64280, MedGen C2749872, MONDO:0012763, OMIM 611942.
Hyperaldosteronism, familial, type IV (HALD4). Also called: FH IV; ALDOSTERONISM, PRIMARY, AND HYPERTENSION. Identifiers: Orphanet 642671, MedGen C4310756, MONDO:0014875, OMIM 617027.
Idiopathic generalized epilepsy. Also called: EIG; Generalised epilepsy. Identifiers: MedGen C0270850, MONDO:0005579, OMIM 600669.

Allele frequency attached by ClinVar (database versions not stated): gnomAD exomes 0.00001 and 0.00003; TOPMed 0.00001; ExAC 0.00002.
gnomAD v4.1: 45 of 1,602,650 alleles (0.0028%); highest among the groups gnomAD compares: Non-Finnish European, 0.0034%; no homozygotes.

Submissions (2):

Labcorp Genetics (formerly Invitae), Labcorp
Classification: Uncertain significance for Idiopathic generalized epilepsy; Hyperaldosteronism, familial, type IV. Last evaluated: 2024-05-28. Review status: criteria provided, single submitter. Criteria: Invitae Variant Classification Sherloc (09022015). Collection method: clinical testing. Allele origin: germline.
Comment: This sequence change replaces glutamic acid, which is acidic and polar, with lysine, which is basic and polar, at codon 1356 of the CACNA1H protein (p.Glu1356Lys). This variant is present in population databases (rs772929276, gnomAD 0.006%). This variant has not been reported in the literature in individuals affected with CACNA1H-related conditions. ClinVar contains an entry for this variant (Variation ID: 661572). Advanced modeling of protein sequence and biophysical properties (such as structural, functional, and spatial information, amino acid conservation, physicochemical variation, residue mobility, and thermodynamic stability) performed at Invitae indicates that this missense variant is not expected to disrupt CACNA1H protein function with a negative predictive value of 80%. In summary, the available evidence is currently insufficient to determine the role of this variant in disease. Therefore, it has been classified as a Variant of Uncertain Significance.

Fulgent Genetics
Classification: Uncertain significance for Epilepsy, childhood absence, susceptibility to, 6; Hyperaldosteronism, familial, type IV. Last evaluated: 2024-01-30. Review status: criteria provided, single submitter. Criteria: ACMG Guidelines, 2015. Collection method: clinical testing. Allele origin: germline.

NM_021098.3(CACNA1H):c.4066G>A (p.Glu1356Lys)

Gene: CACNA1H (calcium voltage-gated channel subunit alpha1 H; plus strand). Cytogenetic location: 16p13.3.
Variant type: single nucleotide variant.
Coding change: c.4066G>A on transcript NM_021098.3 (MANE Select); coding-DNA position 4066, G replaced by A.
Protein change: p.Glu1356Lys; replaces glutamic acid 1356 with lysine.
Molecular consequence: missense variant.
Genome position (GRCh38, 1-based): chr16:1,210,814, G>A. VCF-style: chr16-1210814-G-A. GRCh37 (hg19) VCF-style: chr16-1260814-G-A.
Other names: c.4066G>A, p.Glu1356Lys (NM_001005407.2); short protein forms E1356K.
Identifiers: ClinVar variation 661572 (VCV000661572.9), dbSNP rs772929276, ClinGen allele CA7801136.